The following is an entry in ClinVar:

ClinVar aggregate classification (germline): Uncertain significance (1 of 4 stars; one submission).

Submission:

GeneDx
Classification: Uncertain significance. Last evaluated: 2026-04-15. Review status: criteria provided, single submitter. Criteria: GeneDx Variant Classification Process June 2021. Collection method: clinical testing. Allele origin: germline.
Comment: Not observed at significant frequency in large population cohorts (gnomAD); In silico analysis supports that this missense variant has a deleterious effect on protein structure/function; Has not been previously published as pathogenic or benign to our knowledge

NM_001367721.1(CASK):c.1241A>G (p.Glu414Gly)

Gene: CASK (calcium/calmodulin dependent serine protein kinase; minus strand). Cytogenetic location: Xp11.4.
Variant type: single nucleotide variant.
Coding change: c.1241A>G on transcript NM_001367721.1 (MANE Select); coding-DNA position 1241, A replaced by G.
Protein change: p.Glu414Gly; replaces glutamic acid 414 with glycine.
Molecular consequence: missense variant.
Genome position (GRCh38, 1-based): chrX:41,586,980, T>C on the plus strand (A>G on the coding strand, the complement: CASK is on the minus strand). VCF-style: chrX-41586980-T-C. GRCh37 (hg19) VCF-style: chrX-41446233-T-C.
Other names: c.1241A>G, p.Glu414Gly (NM_001126054.3, NM_003688.4); c.1223A>G, p.Glu408Gly (NM_001126055.3, NM_001410745.1); short protein forms E408G, E414G.
Identifiers: ClinVar variation 5037241 (VCV005037241.1).